The following is an entry in ClinVar:

ClinVar aggregate classification (germline): Uncertain significance. Review status: criteria provided, multiple submitters, no conflicts (2 of 4 stars). 2 submissions from 2 submitters: Uncertain significance (2). Last evaluated 2017-07-13.

Conditions:
Hereditary cancer-predisposing syndrome. Also called: Neoplastic Syndromes, Hereditary; Hereditary neoplastic syndrome; Hereditary Cancer Syndrome; Tumor predisposition. Identifiers: Orphanet 140162, MedGen C0027672, MeSH D009386, MONDO:0015356.

Submissions (2):

Ambry Genetics
Classification: Uncertain significance for Hereditary cancer-predisposing syndrome. Last evaluated: 2017-07-13. Review status: criteria provided, single submitter. Criteria: Ambry Variant Classification Scheme 2023. Collection method: clinical testing. Allele origin: germline.
Comment: The c.1546_1547delGCinsTT variant, located in coding exon 14 of the FANCC gene, results from an in-frame deletion of GC and insertion of TT at nucleotide positions 1546 to 1547. This results in the substitution of the alanine residue for a phenylalanine residue at codon 516, an amino acid with dissimilar properties. This amino acid position is poorly conserved in available vertebrate species. Since supporting evidence is limited at this time, the clinical significance of this alteration remains unclear.

GeneDx
Classification: Uncertain significance. Last evaluated: 2017-05-15. Review status: criteria provided, single submitter. Criteria: GeneDx Variant Classification (06012015). Collection method: clinical testing. Allele origin: germline. Affected: yes.
Comment: This variant is denoted FANCC c.1546_1547delGCinsTT at the cDNA level, p.Ala516Phe (A516F) at the protein level. The surrounding sequence is CACT[delGC][insTT]TGAG. This in frame deletion and insertion occurs on the same allele (in cis) and results in the missense change of an Alanine to a Phenylalanine (GCT>TTT). This variant has not, to our knowledge, been published in the literature as pathogenic or benign. Neither FANCC c.1546_1547delGCinsTT nor FANCC Ala516Phe were observed in large population cohorts (NHLBI Exome Sequencing Project, The 1000 Genomes Consortium 2015, Lek 2016). Since Alanine and Phenylalanine differ in some properties, this is considered a semi-conservative amino acid substitution. FANCC Ala516Phe occurs at a position that is not conserved and is located in the cdc2 binding domain (Gordon & Buchwald 2000). In silico analyses predict that this variant is unlikely to alter protein structure or function. Based on currently available evidence, it is unclear whether FANCC Ala516Phe is a pathogenic or benign variant. We consider it to be a variant of uncertain significance.

NM_000136.3(FANCC):c.1546_1547delinsTT (p.Ala516Phe)

Genes: AOPEP (aminopeptidase O (putative); plus strand), FANCC (FA complementation group C; minus strand). Cytogenetic location: 9q22.32.
Variant type: Indel.
Coding change: c.1546_1547delinsTT on transcript NM_000136.3 (MANE Select); coding-DNA positions 1546 to 1547, GC replaced by TT.
Protein change: p.Ala516Phe; replaces alanine 516 with phenylalanine.
Molecular consequence: missense variant.
Genome position (GRCh38, 1-based): chr9:95,101,837-95,101,838, GC replaced by AA on the plus strand (GC replaced by TT on the coding strand, the reverse complement: FANCC is on the minus strand). VCF-style: chr9-95101837-GC-AA. GRCh37 (hg19) VCF-style: chr9-97864119-GC-AA.
Other names: c.1546_1547delinsTT, p.Ala516Phe (NM_001243743.2); short protein forms A516F.
Identifiers: ClinVar variation 449977 (VCV000449977.5), dbSNP rs1554827162, ClinGen allele CA658657887.
Genomic context (GRCh38, chr9:95,101,837, plus strand): 5'-AGACGATTCCATCTGTACAAGGTCTGGTCAAGAAAGCCAATGATCTCGTGAGTTATCTCA[GC>AA]AGTGTGAGCCATCTGCAATCAGGACAGAAGAGAAGGCAAATTAAAACACTTTCCAGACAG-3'
Protein context (NP_000127.2, residues 506-526): WDVITLMAHT[Ala516Phe]EITHEIIGFL